The following is an entry in ClinVar:

NM_001128840.3(CACNA1D):c.6372C>G (p.His2124Gln)

Gene: CACNA1D (calcium voltage-gated channel subunit alpha1 D; plus strand). Cytogenetic location: 3p21.1.
Variant type: single nucleotide variant.
Coding change: c.6372C>G on transcript NM_001128840.3 (MANE Select); coding-DNA position 6372, C replaced by G.
Protein change: p.His2124Gln; replaces histidine 2124 with glutamine.
Molecular consequence: missense variant.
Genome position (GRCh38, 1-based): chr3:53,811,292, C>G. VCF-style: chr3-53811292-C-G. GRCh37 (hg19) VCF-style: chr3-53845319-C-G.
Other names: c.6432C>G, p.His2144Gln (NM_000720.4); c.6300C>G, p.His2100Gln (NM_001128839.3); short protein forms H2124Q, H2100Q, H2144Q.
Identifiers: ClinVar variation 4702311 (VCV004702311.1).

ClinVar aggregate classification (germline): Uncertain significance (1 of 4 stars; one submission).

gnomAD v4.1: 1 of 1,613,690 alleles (0.000062%); no homozygotes.

Submission:

Labcorp Genetics (formerly Invitae), Labcorp
Classification: Uncertain significance. Last evaluated: 2025-12-27. Review status: criteria provided, single submitter. Criteria: Invitae Variant Classification Sherloc (09022015). Collection method: clinical testing. Allele origin: germline.
Comment: This sequence change replaces histidine, which is basic and polar, with glutamine, which is neutral and polar, at codon 2144 of the CACNA1D protein (p.His2144Gln). The frequency data for this variant in the population databases is considered unreliable, as metrics indicate poor data quality at this position in the gnomAD database. This variant has not been reported in the literature in individuals affected with CACNA1D-related conditions. An algorithm developed to predict the effect of missense changes on protein structure and function (PolyPhen-2) suggests that this variant is likely to be tolerated. In summary, the available evidence is currently insufficient to determine the role of this variant in disease. Therefore, it has been classified as a Variant of Uncertain Significance.